The following is an entry in ClinVar:

ClinVar aggregate classification (germline): Pathogenic (1 of 4 stars; one submission).

Conditions:
Symmetrical dyschromatosis of extremities (DSH). Also called: DYSCHROMATOSIS SYMMETRICA HEREDITARIA 1; RETICULATE ACROPIGMENTATION OF DOHI; SYMMETRIC DYSCHROMATOSIS OF THE EXTREMITIES; Dyschromatosis symmetrica hereditaria. Identifiers: Orphanet 41, MedGen C0406775, MONDO:0007483, OMIM 127400.
Aicardi-Goutieres syndrome 6 (AGS6). Identifiers: Orphanet 51, MedGen C3539013, MONDO:0014007, OMIM 615010.

Submission:

Labcorp Genetics (formerly Invitae), Labcorp
Classification: Pathogenic for Aicardi-Goutieres syndrome 6; Symmetrical dyschromatosis of extremities. Last evaluated: 2024-09-24. Review status: criteria provided, single submitter. Criteria: Invitae Variant Classification Sherloc (09022015). Collection method: clinical testing. Allele origin: germline.
Comment: This sequence change creates a premature translational stop signal (p.Val660Glufs*31) in the ADAR gene. It is expected to result in an absent or disrupted protein product. Loss-of-function variants in ADAR are known to be pathogenic (PMID: 22974014). This variant is not present in population databases (gnomAD no frequency). This variant has not been reported in the literature in individuals affected with ADAR-related conditions. For these reasons, this variant has been classified as Pathogenic.

Literature cited by the submitters: PubMed 22974014.

NM_001111.5(ADAR):c.1979_1980del (p.Val660fs)

Gene: ADAR (adenosine deaminase RNA specific; minus strand). Cytogenetic location: 1q21.3.
Variant type: Microsatellite.
Coding change: c.1979_1980del on transcript NM_001111.5 (MANE Select); coding-DNA positions 1979 to 1980, 2 bases deleted (TG; older notation c.1979_1980delTG).
Protein change: p.Val660fs; shifts the reading frame from valine 660.
Molecular consequence: frameshift variant.
Genome position (GRCh38, 1-based): chr1:154,597,222-154,597,223, CA deleted on the plus strand (TG on the coding strand, the reverse complement: ADAR is on the minus strand); deleting any 2 consecutive bases within chr1:154,597,222-154,597,226 gives the same sequence; the c. name uses the placement nearest the transcript's 3' end. VCF-style (leftmost placement, unchanged base first): chr1-154597221-TCA-T. GRCh37 (hg19) VCF-style: chr1-154569697-TCA-T.
Other names: c.1094_1095del, p.Val365fs (NM_001025107.3, NM_001193495.2, NM_001365046.1 and 3 more transcripts); c.2006_2007del, p.Val669fs (NM_001365045.1); c.1979_1980del, p.Val660fs (NM_015840.4, NM_015841.4); short protein forms V365fs, V660fs, V669fs.
Identifiers: ClinVar variation 3758427 (VCV003758427.2).